The following is an entry in ClinVar:

ClinVar aggregate classification (germline): Pathogenic. Review status: criteria provided, multiple submitters, no conflicts (2 of 4 stars). 2 submissions from 2 submitters: Pathogenic (2). Last evaluated 2022-09-14.

Conditions:
Familial cancer of breast. Also called: Hereditary breast cancer; hereditary breast carcinoma; BREAST CANCER, FAMILIAL. Identifiers: Orphanet 227535, MedGen C0346153, MONDO:0016419, OMIM 114480. Disease mechanism: loss of function.

Submissions (2):

Labcorp Genetics (formerly Invitae), Labcorp
Classification: Pathogenic for Familial cancer of breast. Last evaluated: 2022-09-14. Review status: criteria provided, single submitter. Criteria: Invitae Variant Classification Sherloc (09022015). Collection method: clinical testing. Allele origin: germline.
Comment: This sequence change creates a premature translational stop signal (p.Arg239Aspfs*40) in the PALB2 gene. It is expected to result in an absent or disrupted protein product. Loss-of-function variants in PALB2 are known to be pathogenic (PMID: 17200668, 17200671, 17200672, 24136930, 25099575). This variant is not present in population databases (gnomAD no frequency). This variant has not been reported in the literature in individuals affected with PALB2-related conditions. ClinVar contains an entry for this variant (Variation ID: 584910). For these reasons, this variant has been classified as Pathogenic.

Mendelics
Classification: Pathogenic for Familial cancer of breast. Last evaluated: 2019-05-28. Review status: criteria provided, single submitter. Criteria: Mendelics Assertion Criteria 2017. Collection method: clinical testing. Allele origin: unknown.

Literature cited by the submitters: PubMed 17200668 (cited by Labcorp Genetics (formerly Invitae), Labcorp); PubMed 17200671 (cited by Labcorp Genetics (formerly Invitae), Labcorp); PubMed 17200672 (cited by Labcorp Genetics (formerly Invitae), Labcorp); PubMed 24136930 (cited by Labcorp Genetics (formerly Invitae), Labcorp); PubMed 25099575 (cited by Labcorp Genetics (formerly Invitae), Labcorp).

NM_024675.4(PALB2):c.715del (p.Arg239fs)

Gene: PALB2 (partner and localizer of BRCA2; minus strand). Cytogenetic location: 16p12.2.
Variant type: Deletion.
Coding change: c.715del on transcript NM_024675.4 (MANE Select); coding-DNA position 715, one base deleted (A; older notation c.715delA).
Protein change: p.Arg239fs; shifts the reading frame from arginine 239.
Molecular consequence: frameshift variant.
Genome position (GRCh38, 1-based): chr16:23,635,831, T deleted on the plus strand (A on the coding strand, the reverse complement: PALB2 is on the minus strand); the first of 2 consecutive T bases (chr16:23,635,831-23,635,832); deleting either gives the same sequence. VCF-style (leftmost placement, unchanged base first): chr16-23635830-CT-C. GRCh37 (hg19) VCF-style: chr16-23647151-CT-C.
Other names: short protein forms R239fs.
Identifiers: ClinVar variation 584910 (VCV000584910.9), dbSNP rs1567222476, ClinGen allele CA891844531.